The following is an entry in ClinVar:

GRCh37/hg19 15q11.2-13.1(chr15:23669790-28616294)x1

Genes: ATP10A (ATPase phospholipid transporting 10A (putative); minus strand), GABRA5 (gamma-aminobutyric acid type A receptor subunit alpha5; plus strand), GABRB3 (gamma-aminobutyric acid type A receptor subunit beta3; minus strand), GABRG3 (gamma-aminobutyric acid type A receptor subunit gamma3; plus strand), GOLGA6L2 (golgin A6 family like 2; minus strand) and 19 more. Cytogenetic location: 15q11.2-13.1.
Variant type: copy number loss.
Change: copy number 1 (one copy instead of two) of chr15:23,669,790-28,616,294 (4.95 Mb, GRCh37 coordinates, 1-based), cytogenetic band 15q11.2-13.1.
Identifiers: ClinVar variation 4891003 (VCV004891003.1).

ClinVar aggregate classification (germline): Pathogenic (1 of 4 stars; one submission).

Conditions:
Angelman syndrome (AS). Also called: HAPPY PUPPET SYNDROME. Identifiers: Orphanet 72, MedGen C0162635, MONDO:0007113, OMIM 105830. Disease mechanism: loss of function. Inheritance: AS is caused by disruption of maternally imprinted UBE3A located within the 15q11.2-q13 Angelman syndrome/Prader-Willi syndrome (AS/PWS) region., imprinting disorder.

Submission:

Pediatric Department, Peking University First Hospital
Classification: Pathogenic for Angelman syndrome. Last evaluated: 2025-12-10. Review status: criteria provided, single submitter. Criteria: ACMG/ClinGen CNV Guidelines, 2019. Collection method: clinical testing. Allele origin: de novo. Inheritance: Autosomal dominant inheritance with maternal imprinting. Affected: yes.
Comment: This approximately 4.95 Mb deletion at 15q11.2-q13.1 (GRCh37: chr15:23,669,790-28,616,294) encompasses multiple protein-coding and functionally important genes, including established dosage-sensitive and disease-associated gene(s) within the Prader-Willi/Angelman syndrome critical region. The deletion completely encompasses an established haploinsufficient gene/genomic region, meeting ACMG/ClinGen CNV criterion 2A (+1.00 point). Based on the genomic content, dosage sensitivity, de novo occurrence, and phenotype concordance, this copy-number loss is classified as pathogenic.